The following is an entry in ClinVar:

ClinVar aggregate classification (germline): Uncertain significance. Review status: criteria provided, multiple submitters, no conflicts (2 of 4 stars). 3 submissions from 3 submitters: Uncertain significance (3). Last evaluated 2025-07-18.

Conditions:
Fanconi anemia complementation group J. Also called: BRIP1-Related Fanconi Anemia. Identifiers: Orphanet 84, MedGen C1836860, MONDO:0012187, OMIM 609054.
Familial cancer of breast. Also called: BREAST CANCER, FAMILIAL; hereditary breast carcinoma; Hereditary breast cancer. Identifiers: Orphanet 227535, MedGen C0346153, MONDO:0016419, OMIM 114480. Disease mechanism: loss of function.
Hereditary cancer-predisposing syndrome. Also called: Tumor predisposition; Hereditary neoplastic syndrome; Neoplastic Syndromes, Hereditary; Hereditary Cancer Syndrome. Identifiers: Orphanet 140162, MedGen C0027672, MeSH D009386, MONDO:0015356.

Submissions (3):

Labcorp Genetics (formerly Invitae), Labcorp
Classification: Uncertain significance for Familial cancer of breast; Fanconi anemia complementation group J. Last evaluated: 2025-07-18. Review status: criteria provided, single submitter. Criteria: Invitae Variant Classification Sherloc (09022015). Collection method: clinical testing. Allele origin: germline.
Comment: This sequence change replaces serine, which is neutral and polar, with phenylalanine, which is neutral and non-polar, at codon 31 of the BRIP1 protein (p.Ser31Phe). This variant is not present in population databases (gnomAD no frequency). This variant has not been reported in the literature in individuals affected with BRIP1-related conditions. ClinVar contains an entry for this variant (Variation ID: 928269). Invitae Evidence Modeling of protein sequence and biophysical properties (such as structural, functional, and spatial information, amino acid conservation, physicochemical variation, residue mobility, and thermodynamic stability) has been performed for this missense variant. However, the output from this modeling did not meet the statistical confidence thresholds required to predict the impact of this variant on BRIP1 protein function. Algorithms developed to predict the effect of sequence changes on RNA splicing suggest that this variant may disrupt the consensus splice site. In summary, the available evidence is currently insufficient to determine the role of this variant in disease. Therefore, it has been classified as a Variant of Uncertain Significance.

Ambry Genetics
Classification: Uncertain significance for Hereditary cancer-predisposing syndrome. Last evaluated: 2020-09-18. Review status: criteria provided, single submitter. Criteria: Ambry Variant Classification Scheme 2023. Collection method: clinical testing. Allele origin: germline.
Comment: The p.S31F variant (also known as c.92C>T), located in coding exon 1 of the BRIP1 gene, results from a C to T substitution at nucleotide position 92. The serine at codon 31 is replaced by phenylalanine, an amino acid with highly dissimilar properties. This amino acid position is well conserved in available vertebrate species. In addition, the in silico prediction for this alteration is inconclusive. Since supporting evidence is limited at this time, the clinical significance of this alteration remains unclear.

Color Diagnostics, LLC DBA Color Health
Classification: Uncertain significance for Hereditary cancer-predisposing syndrome. Last evaluated: 2019-10-18. Review status: criteria provided, single submitter. Criteria: ACMG Guidelines, 2015. Collection method: clinical testing. Allele origin: germline.
Comment: This missense variant replaces serine with phenylalanine at codon 31 of the BRIP1 protein. Computational prediction suggests that this variant may not impact protein structure and function (internally defined REVEL score threshold <= 0.5, PMID: 27666373). Splice site prediction tools suggest that this variant may not impact RNA splicing. To our knowledge, functional studies have not been performed for this variant. This variant has not been reported in individuals affected with hereditary cancer in the literature. This variant has not been identified in the general population by the Genome Aggregation Database (gnomAD). The available evidence is insufficient to determine the role of this variant in disease conclusively. Therefore, this variant is classified as a Variant of Uncertain Significance.

Literature cited by the submitters: PubMed 27074266 (cited by Ambry Genetics).

NM_032043.3(BRIP1):c.92C>T (p.Ser31Phe)

Gene: BRIP1 (BRCA1 interacting DNA helicase 1; minus strand). Cytogenetic location: 17q23.2.
Variant type: single nucleotide variant.
Coding change: c.92C>T on transcript NM_032043.3 (MANE Select); coding-DNA position 92, C replaced by T.
Protein change: p.Ser31Phe; replaces serine 31 with phenylalanine.
Molecular consequence: missense variant.
Genome position (GRCh38, 1-based): chr17:61,861,448, G>A on the plus strand (C>T on the coding strand, the complement: BRIP1 is on the minus strand). VCF-style: chr17-61861448-G-A. GRCh37 (hg19) VCF-style: chr17-59938809-G-A.
Other names: short protein forms S31F.
Identifiers: ClinVar variation 928269 (VCV000928269.6), dbSNP rs2078971136, ClinGen allele CA400485894.